The following is an entry in ClinVar:

NM_001374353.1(GLI2):c.78del (p.Asp27fs)

Gene: GLI2 (GLI family zinc finger 2; plus strand). Cytogenetic location: 2q14.2.
Variant type: Deletion.
Coding change: c.78del on transcript NM_001374353.1 (MANE Select); coding-DNA position 78, one base deleted (C; older notation c.78delC).
Protein change: p.Asp27fs; shifts the reading frame from aspartic acid 27.
Molecular consequence: frameshift variant. On other transcripts: 5 prime UTR variant (1).
Genome position (GRCh38, 1-based): chr2:120,797,398, C deleted; the last of 4 consecutive C bases (chr2:120,797,395-120,797,398); deleting any one gives the same sequence. VCF-style (leftmost placement, unchanged base first): chr2-120797394-TC-T. GRCh37 (hg19) VCF-style: chr2-121554970-TC-T.
Other names: c.78delC (NM_005270.4); c.78del, p.Asp27fs (NM_001371271.1, NM_005270.5); c.-192del (NM_001374354.1); short protein forms D27fs.
Identifiers: ClinVar variation 432329 (VCV000432329.4), dbSNP rs1553449159, ClinGen allele CA645372579.

ClinVar aggregate classification (germline): Likely pathogenic (1 of 4 stars; one submission).

Submission:

GeneDx
Classification: Likely pathogenic. Last evaluated: 2019-08-10. Review status: criteria provided, single submitter. Criteria: GeneDx Variant Classification Process June 2021. Collection method: clinical testing. Allele origin: germline. Affected: yes.
Comment: Frameshift variant predicted to result in protein truncation or nonsense mediated decay in a gene for which loss-of-function is a known mechanism of disease; Not observed in large population cohorts (Lek et al., 2016); Has not been previously published as pathogenic or benign to our knowledge